The following is an entry in ClinVar:

NM_002979.5(SCP2):c.1206C>G (p.Leu402=)

Gene: SCP2 (sterol carrier protein 2; plus strand). Cytogenetic location: 1p32.3.
Variant type: single nucleotide variant.
Coding change: c.1206C>G on transcript NM_002979.5 (MANE Select); coding-DNA position 1206, C replaced by G.
Protein change: p.Leu402=; no amino-acid change (leucine 402 retained).
Molecular consequence: synonymous variant. On other transcripts: 5 prime UTR variant (3).
Genome position (GRCh38, 1-based): chr1:53,015,014, C>G. VCF-style: chr1-53015014-C-G. GRCh37 (hg19) VCF-style: chr1-53480686-C-G.
Other names: c.-7C>G (NM_001007099.3, NM_001007100.3, NM_001007250.3); c.1134C>G, p.Leu378= (NM_001193599.2); c.1074C>G, p.Leu358= (NM_001193600.2); c.963C>G, p.Leu321= (NM_001193617.2); c.1206C>G (NM_002979.4).
Identifiers: ClinVar variation 1605610 (VCV001605610.10), dbSNP rs374084722, ClinGen allele CA857350.

ClinVar aggregate classification (germline): Likely benign. Review status: criteria provided, single submitter (1 of 4 stars). 2 submissions from 2 submitters: Likely benign (1). 1 of the submissions does not count toward it. Last evaluated 2026-01-24.

Conditions:
SCP2-related disorder. Also called: SCP2-related condition.

Allele frequency attached by ClinVar (database versions not stated): gnomAD 0.00012 and 0.00013; TOPMed 0.00014; ESP Exome Variant Server 0.00015; 1000 Genomes Project 30x 0.00016; 1000 Genomes Project 0.00020.

Submissions (2):

Labcorp Genetics (formerly Invitae), Labcorp
Classification: Likely benign. Last evaluated: 2026-01-24. Review status: criteria provided, single submitter. Criteria: Invitae Variant Classification Sherloc (09022015). Collection method: clinical testing. Allele origin: germline.

PreventionGenetics, part of Exact Sciences
Classification: Likely benign for SCP2-related condition. Last evaluated: 2022-01-12. Review status: no assertion criteria provided. Collection method: clinical testing. Allele origin: germline. Not counted in ClinVar's aggregate classification.
Comment: This variant is classified as likely benign based on ACMG/AMP sequence variant interpretation guidelines (Richards et al. 2015 PMID: 25741868, with internal and published modifications).